The following is an entry in ClinVar:

NM_001849.4(COL6A2):c.855+38_856-32del

Gene: COL6A2 (collagen type VI alpha 2 chain; plus strand). Cytogenetic location: 21q22.3.
Variant type: Deletion.
Coding change: c.855+38_856-32del on transcript NM_001849.4 (MANE Select); 38 bases into the intron after coding-DNA position 855 through 32 bases into the intron before coding-DNA position 856, 15 bases deleted (CCAGCGCCCCAGGGC).
Molecular consequence: intron variant.
Genome position (GRCh38, 1-based): chr21:46,115,963-46,115,977, CCAGCGCCCCAGGGC deleted; deleting any 15 consecutive bases within chr21:46,115,961-46,115,977 gives the same sequence; the c. name uses the placement nearest the transcript's 3' end. VCF-style (leftmost placement, unchanged base first): chr21-46115960-AGCCCAGCGCCCCAGG-A. GRCh37 (hg19) VCF-style: chr21-47535874-AGCCCAGCGCCCCAGG-A.
Other names: c.855+38_856-32del (NM_058175.3, NM_058174.3); c.855+36_856-34del (NM_001849.4).
Identifiers: ClinVar variation 1709249 (VCV001709249.2), dbSNP rs2516995169, ClinGen allele CA2580099010.

ClinVar aggregate classification (germline): Uncertain significance (1 of 4 stars; one submission).

Conditions:
Bethlem myopathy 1A. Also called: Bethlem Muscular Dystrophy; MYOPATHY, BENIGN CONGENITAL, WITH CONTRACTURES; Bethlem myopathy 1. Identifiers: Orphanet 610, MedGen CN029274, MONDO:0024530, OMIM 158810.

Submission:

MGZ Medical Genetics Center
Classification: Uncertain significance for Bethlem myopathy 1A. Last evaluated: 2022-03-30. Review status: criteria provided, single submitter. Criteria: ACMG Guidelines, 2015. Collection method: clinical testing. Allele origin: germline. Affected: yes. Observed: 1 variant allele.
Comment: ACMG criteria applied: PM2_SUP